The following is an entry in ClinVar:

NM_001079872.2(CUL4B):c.43G>A (p.Ala15Thr)

Genes: CUL4B (cullin 4B; minus strand), LOC113845788 (Sharpr-MPRA regulatory region 11856; plus strand). Cytogenetic location: Xq24.
Variant type: single nucleotide variant.
Coding change: c.43G>A on transcript NM_001079872.2 (MANE Select); coding-DNA position 43, G replaced by A.
Protein change: p.Ala15Thr; replaces alanine 15 with threonine.
Molecular consequence: missense variant.
Genome position (GRCh38, 1-based): chrX:120,560,596, C>T on the plus strand (G>A on the coding strand, the complement: CUL4B is on the minus strand). VCF-style: chrX-120560596-C-T. GRCh37 (hg19) VCF-style: chrX-119694451-C-T.
Other names: c.58G>A, p.Ala20Thr (NM_001330624.2); c.97G>A, p.Ala33Thr (NM_003588.4); short protein forms A20T, A33T, A15T.
Identifiers: ClinVar variation 1029013 (VCV001029013.1), dbSNP rs1925231122, ClinGen allele CA414206283.

ClinVar aggregate classification (germline): Uncertain significance (1 of 4 stars; one submission).

Conditions:
X-linked intellectual disability Cabezas type (MRXSC). Also called: CABEZAS SYNDROME; MENTAL RETARDATION, X-LINKED, SYNDROMIC 15; Intellectual developmental disorder, X-linked syndromic, Cabezas type. Identifiers: Orphanet 85289, Orphanet 85293, MedGen C1845861, MONDO:0010306, OMIM 300354.

Allele frequency attached by ClinVar (database versions not stated): gnomAD exomes below 0.00001.
gnomAD v4.1: 1 of 1,208,098 alleles (0.000083%); highest among the groups gnomAD compares: African/African-American, 0.0017%; no homozygotes.

Submission:

Baylor Genetics
Classification: Uncertain significance for X-linked intellectual disability Cabezas type. Last evaluated: 2020-01-03. Review status: criteria provided, single submitter. Criteria: ACMG Guidelines, 2015. Collection method: clinical testing. Allele origin: unknown. Affected: yes.
Comment: This variant was determined to be of uncertain significance according to ACMG Guidelines, 2015 [PMID:25741868].